The following is an entry in ClinVar:

NM_001165963.4(SCN1A):c.3905dup (p.Asn1302fs)

Genes: SCN1A (sodium voltage-gated channel alpha subunit 1; minus strand), LOC102724058 (uncharacterized LOC102724058; plus strand). Cytogenetic location: 2q24.3.
Variant type: Duplication.
Coding change: c.3905dup on transcript NM_001165963.4 (MANE Select); coding-DNA position 3905, one base duplicated (A; older notation c.3905dupA).
Protein change: p.Asn1302fs; shifts the reading frame from asparagine 1302.
Molecular consequence: frameshift variant. On other transcripts: non-coding transcript variant (1).
Genome position (GRCh38, 1-based): chr2:166,009,816, T duplicated on the plus strand (A on the coding strand, the reverse complement: SCN1A is on the minus strand); the first of 3 consecutive T bases (chr2:166,009,816-166,009,818); duplicating any one gives the same sequence. VCF-style (leftmost placement, unchanged base first): chr2-166009815-A-AT. GRCh37 (hg19) VCF-style: chr2-166866325-A-AT.
Other names: c.3821dup, p.Asn1274fs (NM_001165964.3, NM_001353957.2, NM_001353958.2); c.3905dup, p.Asn1302fs (NM_001202435.3, NM_001353948.2); c.3872dup, p.Asn1291fs (NM_001353949.2, NM_001353950.2, NM_001353951.2 and 2 more transcripts); c.3869dup, p.Asn1290fs (NM_001353954.2, NM_001353955.2); c.3818dup, p.Asn1273fs (NM_001353960.2); c.1463dup, p.Asn488fs (NM_001353961.2); short protein forms N1302fs, N1290fs, N1291fs, N1273fs, N1274fs, N488fs.
Identifiers: ClinVar variation 1458266 (VCV001458266.2), dbSNP rs2105571117, ClinGen allele CA658766618.

ClinVar aggregate classification (germline): Pathogenic (1 of 4 stars; one submission).

Conditions:
Developmental and epileptic encephalopathy. Identifiers: MedGen C5779964, MONDO:0100620.

Submission:

Labcorp Genetics (formerly Invitae), Labcorp
Classification: Pathogenic for Early-infantile DEE. Last evaluated: 2020-11-24. Review status: criteria provided, single submitter. Criteria: Invitae Variant Classification Sherloc (09022015). Collection method: clinical testing. Allele origin: germline.
Comment: This sequence change creates a premature translational stop signal (p.Asn1302Lysfs*30) in the SCN1A gene. It is expected to result in an absent or disrupted protein product. Loss-of-function variants in SCN1A are known to be pathogenic (PMID: 17347258, 18930999). This variant is not present in population databases (ExAC no frequency). This variant has not been reported in the literature in individuals with SCN1A-related conditions. For these reasons, this variant has been classified as Pathogenic.

Literature cited by the submitters: PubMed 17347258; PubMed 18930999.